The following is an entry in ClinVar:

ClinVar aggregate classification (germline): Pathogenic. Review status: criteria provided, multiple submitters, no conflicts (2 of 4 stars). 2 submissions from 2 submitters: Pathogenic (2). Last evaluated 2020-06-23.

Conditions:
Wiedemann-Steiner syndrome (WDSTS). Also called: Growth deficiency and mental retardation with facial dysmorphism. Identifiers: Orphanet 319182, MedGen C1854630, MONDO:0011518, OMIM 605130.

Submissions (2):

GeneDx
Classification: Pathogenic. Last evaluated: 2020-06-23. Review status: criteria provided, single submitter. Criteria: GeneDx Variant Classification Process June 2021. Collection method: clinical testing. Allele origin: germline. Affected: yes.
Comment: Frameshift variant predicted to result in protein truncation or nonsense mediated decay in a gene for which loss-of-function is a known mechanism of disease; Not observed in large population cohorts (Lek et al., 2016); Has not been previously published as pathogenic or benign to our knowledge

Genomic Research Center, Shahid Beheshti University of Medical Sciences
Classification: Pathogenic for Wiedemann-Steiner syndrome. Review status: criteria provided, single submitter. Criteria: ACMG Guidelines, 2015. Collection method: clinical testing. Allele origin: de novo. Inheritance: Autosomal dominant inheritance. Affected: yes. Observed: 1 heterozygote.

NM_001197104.2(KMT2A):c.2348_2349del (p.Ser783fs)

Gene: KMT2A (lysine methyltransferase 2A; plus strand). Cytogenetic location: 11q23.3.
Variant type: Deletion.
Coding change: c.2348_2349del on transcript NM_001197104.2 (MANE Select); coding-DNA positions 2348 to 2349, 2 bases deleted (CT; older notation c.2348_2349delCT).
Protein change: p.Ser783fs; shifts the reading frame from serine 783.
Molecular consequence: frameshift variant.
Genome position (GRCh38, 1-based): chr11:118,473,507-118,473,508, CT deleted; deleting any 2 consecutive bases within chr11:118,473,506-118,473,508 gives the same sequence; the c. name uses the placement nearest the transcript's 3' end. VCF-style (leftmost placement, unchanged base first): chr11-118473505-TTC-T. GRCh37 (hg19) VCF-style: chr11-118344220-TTC-T.
Other names: c.2348_2349delCT (NM_001197104.1); c.2348_2349del, p.Ser783fs (NM_005933.4); short protein forms S783fs.
Identifiers: ClinVar variation 418816 (VCV000418816.5), dbSNP rs1064793451, ClinGen allele CA16619274.
Genomic context (GRCh38, chr11:118,473,505, plus strand): 5'-TAGTAGTTCTGAGCTCTCACCTCTCACCCCCCCGTCTTCTGTCTCTTCCTCGTTAAGCAT[TTC>T]TGTTAGTCCTCTTGCCACTAGTGCCTTAAACCCAACTTTTACTTTTCCTTCTCATTCCCT-3'